The following is an entry in ClinVar:

NC_000017.10:g.(?_54671585)_(59938900_?)dup

Genes: GDPD1 (glycerophosphodiester phosphodiesterase domain containing 1; plus strand), MKS1 (MKS transition zone complex subunit 1; minus strand), PRR11 (proline rich 11; plus strand), PTRH2 (peptidyl-tRNA hydrolase 2; minus strand), SEPTIN4 (septin 4; minus strand) and 51 more. Cytogenetic location: 17q22-23.2.
Variant type: Duplication.
Identifiers: ClinVar variation 1412084 (VCV001412084.7).

ClinVar aggregate classification (germline): Uncertain significance (1 of 4 stars; one submission).

Conditions:
Joubert syndrome. Also called: CEREBELLOPARENCHYMAL DISORDER IV; JOUBERT-BOLTSHAUSER SYNDROME; Familial aplasia of the vermis. Identifiers: Orphanet 475, MedGen C5979921, MONDO:0018772.
Meckel-Gruber syndrome. Also called: DYSENCEPHALIA SPLANCHNOCYSTICA; GRUBER SYNDROME; Dysencephalia splachnocystica. Identifiers: Orphanet 564, MedGen C0265215, MONDO:0018921.

Submission:

Labcorp Genetics (formerly Invitae), Labcorp
Classification: Uncertain significance for Joubert syndrome; Meckel-Gruber syndrome. Last evaluated: 2022-02-10. Review status: criteria provided, single submitter. Criteria: Invitae Variant Classification Sherloc (09022015). Collection method: clinical testing. Allele origin: germline.
Comment: This variant has not been reported in the literature in individuals affected with MKS1-related conditions. A copy number gain of the genomic region encompassing the full coding sequence of the MKS1 gene has been identified. The boundaries of this event are unknown as they extend beyond the assayed region for this gene and therefore may encompass additional genes. As the precise location of this event is unknown, it may be in tandem or it may be located elsewhere in the genome. Experimental studies and prediction algorithms are not available or were not evaluated, and the functional significance of this variant is currently unknown. In summary, the available evidence is currently insufficient to determine the role of this variant in disease. Therefore, it has been classified as a Variant of Uncertain Significance.